The following is an entry in ClinVar:

NM_015072.5(TTLL5):c.3172-2A>G

Gene: TTLL5 (tubulin tyrosine ligase like 5; plus strand). Cytogenetic location: 14q24.3.
Variant type: single nucleotide variant.
Coding change: c.3172-2A>G on transcript NM_015072.5 (MANE Select); the canonical splice acceptor site of the intron before coding-DNA position 3172, A replaced by G.
Molecular consequence: splice acceptor variant.
Genome position (GRCh38, 1-based): chr14:75,820,005, A>G. VCF-style: chr14-75820005-A-G. GRCh37 (hg19) VCF-style: chr14-76286348-A-G.
Other names: c.3172-2A>G (NM_015072.4).
Identifiers: ClinVar variation 1518136 (VCV001518136.8), dbSNP rs756311924, ClinGen allele CA7279946.

ClinVar aggregate classification (germline): Likely pathogenic. Review status: criteria provided, multiple submitters, no conflicts (2 of 4 stars). 3 submissions from 3 submitters: Likely pathogenic (3). Last evaluated 2026-08-25.

Conditions:
TTLL5-related disorder. Also called: TTLL5-related condition.

Allele frequency attached by ClinVar (database versions not stated): ExAC 0.00001; gnomAD 0.00001; gnomAD exomes 0.00001.
gnomAD v4.1: 8 of 1,593,020 alleles (0.0005%); highest among the groups gnomAD compares: Non-Finnish European, 0.00068%; no homozygotes.

Submissions (3):

PreventionGenetics, part of Exact Sciences
Classification: Likely pathogenic for TTLL5-related condition. Last evaluated: 2026-08-25. Review status: criteria provided, single submitter. Criteria: ACMG Guidelines, 2015. Collection method: clinical testing. Allele origin: germline.
Comment: The TTLL5 c.3172-2A>G variant is predicted to disrupt the AG splice acceptor site and interfere with normal splicing. To our knowledge, this variant has not been reported in individuals with TTLL5-related disease. This variant is reported in 0.0019% of alleles in individuals of European (Non-Finnish) descent in gnomAD. Variants that disrupt the consensus splice acceptor site in TTLL5 are expected to be pathogenic. This variant is interpreted as likely pathogenic.

Labcorp Genetics (formerly Invitae), Labcorp
Classification: Likely pathogenic. Last evaluated: 2023-12-04. Review status: criteria provided, single submitter. Criteria: Invitae Variant Classification Sherloc (09022015). Collection method: clinical testing. Allele origin: germline.
Comment: This sequence change affects an acceptor splice site in intron 27 of the TTLL5 gene. It is expected to disrupt RNA splicing. Variants that disrupt the donor or acceptor splice site typically lead to a loss of protein function (PMID: 16199547), and loss-of-function variants in TTLL5 are known to be pathogenic (PMID: 24791901, 27162334). This variant is present in population databases (rs756311924, gnomAD 0.002%). This variant has not been reported in the literature in individuals affected with TTLL5-related conditions. ClinVar contains an entry for this variant (Variation ID: 1518136). Algorithms developed to predict the effect of sequence changes on RNA splicing suggest that this variant may disrupt the consensus splice site. In summary, the currently available evidence indicates that the variant is pathogenic, but additional data are needed to prove that conclusively. Therefore, this variant has been classified as Likely Pathogenic.

Blueprint Genetics
Classification: Likely pathogenic for TTLL5-related disorders. Last evaluated: 2022-10-05. Review status: criteria provided, single submitter. Criteria: ACMG Guidelines, 2015. Collection method: clinical testing. Allele origin: germline. Affected: yes. Observed: 2 variant alleles.

Literature cited by the submitters: PubMed 16199547 (cited by Labcorp Genetics (formerly Invitae), Labcorp); PubMed 24791901 (cited by Labcorp Genetics (formerly Invitae), Labcorp); PubMed 27162334 (cited by Labcorp Genetics (formerly Invitae), Labcorp).